The following is an entry in ClinVar:

ClinVar aggregate classification (germline): Likely benign (1 of 4 stars; one submission).

Allele frequency attached by ClinVar (database versions not stated): TOPMed 0.00001.

Submission:

GeneDx
Classification: Likely benign. Last evaluated: 2016-08-04. Review status: criteria provided, single submitter. Criteria: GeneDx Variant Classification (06012015). Collection method: clinical testing. Allele origin: germline. Affected: yes.
Comment: This variant is considered likely benign or benign based on one or more of the following criteria: it is a conservative change, it occurs at a poorly conserved position in the protein, it is predicted to be benign by multiple in silico algorithms, and/or has population frequency not consistent with disease.

NM_003850.3(SUCLA2):c.490A>C (p.Arg164=)

Gene: SUCLA2 (succinate-CoA ligase ADP-forming subunit beta; minus strand). Cytogenetic location: 13q14.2.
Variant type: single nucleotide variant.
Coding change: c.490A>C on transcript NM_003850.3 (MANE Select); coding-DNA position 490, A replaced by C.
Protein change: p.Arg164=; no amino-acid change (arginine 164 retained).
Molecular consequence: synonymous variant.
Genome position (GRCh38, 1-based): chr13:47,988,585, T>G on the plus strand (A>C on the coding strand, the complement: SUCLA2 is on the minus strand). VCF-style: chr13-47988585-T-G. GRCh37 (hg19) VCF-style: chr13-48562720-T-G.
Identifiers: ClinVar variation 387994 (VCV000387994.1), dbSNP rs745493625, ClinGen allele CA16606464.